The following is an entry in ClinVar:

NM_024747.6(HPS6):c.1822G>A (p.Ala608Thr)

Gene: HPS6 (HPS6 biogenesis of lysosomal organelles complex 2 subunit 3; plus strand). Cytogenetic location: 10q24.32.
Variant type: single nucleotide variant.
Coding change: c.1822G>A on transcript NM_024747.6 (MANE Select); coding-DNA position 1822, G replaced by A.
Protein change: p.Ala608Thr; replaces alanine 608 with threonine.
Molecular consequence: missense variant.
Genome position (GRCh38, 1-based): chr10:102,067,296, G>A. VCF-style: chr10-102067296-G-A. GRCh37 (hg19) VCF-style: chr10-103827053-G-A.
Other names: short protein forms A608T.
Identifiers: ClinVar variation 3005309 (VCV003005309.3), dbSNP rs2540988535, ClinGen allele CA377872541.
Genomic context (GRCh38, chr10:102,067,296, plus strand): 5'-CAGCAGCAGGGCGGGCCGGGCTGGGGGGCAGGGGGCCCAGGACTGCCCCTGTATCGCCGA[G>A]CTCTGGCAGTGCTAGGTGAGGAGGGGACCAGGCCTGAGGCTCTGGAGCTAGAGCTGCTCT-3'
Protein context (NP_079023.2, residues 598-618): GGPGLPLYRR[Ala608Thr]LAVLGEEGTR

ClinVar aggregate classification (germline): Uncertain significance (1 of 4 stars; one submission).

Submission:

Labcorp Genetics (formerly Invitae), Labcorp
Classification: Uncertain significance. Last evaluated: 2023-02-18. Review status: criteria provided, single submitter. Criteria: Invitae Variant Classification Sherloc (09022015). Collection method: clinical testing. Allele origin: germline.
Comment: In summary, the available evidence is currently insufficient to determine the role of this variant in disease. Therefore, it has been classified as a Variant of Uncertain Significance. Advanced modeling of protein sequence and biophysical properties (such as structural, functional, and spatial information, amino acid conservation, physicochemical variation, residue mobility, and thermodynamic stability) performed at Invitae indicates that this missense variant is not expected to disrupt HPS6 protein function. This variant has not been reported in the literature in individuals affected with HPS6-related conditions. This variant is not present in population databases (gnomAD no frequency). This sequence change replaces alanine, which is neutral and non-polar, with threonine, which is neutral and polar, at codon 608 of the HPS6 protein (p.Ala608Thr).